The following is an entry in ClinVar:

ClinVar aggregate classification (germline): Likely pathogenic. Review status: criteria provided, single submitter (1 of 4 stars). 3 submissions from 1 submitter: Likely pathogenic (3). Last evaluated 2016-01-01.

Conditions:
Roussy-Lévy syndrome. Also called: Roussy Levy hereditary areflexic dystasia; Roussy-Levy disease; Hereditary areflexic dystasia; Roussy-Levy Syndrome. Identifiers: Orphanet 3115, MedGen C0205713, MONDO:0008392, OMIM 180800.
Sensorimotor neuropathy. Identifiers: MedGen C1112256, HP:0007141.
EMG: neuropathic changes. Identifiers: MedGen C4021727, HP:0003445.
Limb muscle weakness. Identifiers: MedGen C0587246, HP:0003690.
Tremor. Also called: tremors. Identifiers: MedGen C0040822, HP:0001337.

Submissions (3):

Centre for Mendelian Genomics, University Medical Centre Ljubljana
Classification: Likely pathogenic for Roussy-Lévy syndrome. Last evaluated: 2016-01-01. Review status: criteria provided, single submitter. Criteria: ACMG Guidelines, 2015. Collection method: clinical testing. Allele origin: unknown. Affected: yes.
Comment: This variant was classified as: Likely pathogenic.

Centre for Mendelian Genomics, University Medical Centre Ljubljana
Classification: Likely pathogenic for EMG: neuropathic changes; Limb muscle weakness; Tremor. Last evaluated: 2015-09-23. Review status: criteria provided, single submitter. Criteria: ACMG Guidelines, 2015. Collection method: clinical testing. Allele origin: unknown. Affected: yes.

Centre for Mendelian Genomics, University Medical Centre Ljubljana
Classification: Likely pathogenic for Sensorimotor neuropathy. Last evaluated: 2015-09-23. Review status: criteria provided, single submitter. Criteria: ACMG Guidelines, 2015. Collection method: clinical testing. Allele origin: unknown. Affected: yes.

NM_000530.8(MPZ):c.699T>G (p.Ser233Arg)

Gene: MPZ (myelin protein zero; minus strand). Cytogenetic location: 1q23.3.
Variant type: single nucleotide variant.
Coding change: c.699T>G on transcript NM_000530.8 (MANE Select); coding-DNA position 699, T replaced by G.
Protein change: p.Ser233Arg; replaces serine 233 with arginine.
Molecular consequence: missense variant.
Genome position (GRCh38, 1-based): chr1:161,305,924, A>C on the plus strand (T>G on the coding strand, the complement: MPZ is on the minus strand). VCF-style: chr1-161305924-A-C. GRCh37 (hg19) VCF-style: chr1-161275714-A-C.
Other names: c.699T>G (LRG_256t1); c.699T>G, p.Ser233Arg (NM_001315491.2); short protein forms S233R.
Identifiers: ClinVar variation 374017 (VCV000374017.4), dbSNP rs1057518839, ClinGen allele CA16043363.
Genomic context (GRCh38, chr1:161,305,924, plus strand): 5'-GCCCGCTAACCGCTATTTCTTATCCTTGCGAGACTCCCCCAGCCCCTTGGCCTTCTTCTC[A>C]CTGACAGCTTTGGTGCTTCTGCTGTGGTCCAGCATTGCATACAGCACTGGCGTCTGGGGG-3'
Protein context (NP_000521.2, residues 223-243): LDHSRSTKAV[Ser233Arg]EKKAKGLGES